The following is an entry in ClinVar:

ClinVar aggregate classification (germline): Likely pathogenic (1 of 4 stars; one submission).

Conditions:
Intellectual disability. Also called: intellectual disabilities; Intellectual developmental disorder; Intellectual functioning disability. Identifiers: MedGen C3714756, MeSH D008607, MONDO:0001071, HP:0001249.

Submission:

Institute of Human Genetics, University of Leipzig Medical Center
Classification: Likely pathogenic for Intellectual disability. Last evaluated: 2020-08-03. Review status: criteria provided, single submitter. Criteria: ACMG Guidelines, 2015. Collection method: clinical testing. Allele origin: de novo. Affected: yes.

NM_006521.6(TFE3):c.566A>G (p.Tyr189Cys)

Gene: TFE3 (transcription factor binding to IGHM enhancer 3; minus strand). Cytogenetic location: Xp11.23.
Variant type: single nucleotide variant.
Coding change: c.566A>G on transcript NM_006521.6 (MANE Select); coding-DNA position 566, A replaced by G.
Protein change: p.Tyr189Cys; replaces tyrosine 189 with cysteine.
Molecular consequence: missense variant.
Genome position (GRCh38, 1-based): chrX:49,038,411, T>C on the plus strand (A>G on the coding strand, the complement: TFE3 is on the minus strand). VCF-style: chrX-49038411-T-C. GRCh37 (hg19) VCF-style: chrX-48895936-T-C.
Other names: c.251A>G, p.Tyr84Cys (NM_001282142.2); short protein forms Y189C, Y84C.
Identifiers: ClinVar variation 977615 (VCV000977615.1), dbSNP rs2064742830, ClinGen allele CA412910836.